The following is an entry in ClinVar:

NM_000287.4(PEX6):c.1885-192C>T

Gene: PEX6 (peroxisomal biogenesis factor 6; minus strand). Cytogenetic location: 6p21.1.
Variant type: single nucleotide variant.
Coding change: c.1885-192C>T on transcript NM_000287.4 (MANE Select); 192 bases into the intron before coding-DNA position 1885, C replaced by T.
Molecular consequence: intron variant.
Genome position (GRCh38, 1-based): chr6:42,967,050, G>A on the plus strand (C>T on the coding strand, the complement: PEX6 is on the minus strand). VCF-style: chr6-42967050-G-A. GRCh37 (hg19) VCF-style: chr6-42934788-G-A.
Other names: c.1621-192C>T (NM_001316313.2).
Identifiers: ClinVar variation 1707133 (VCV001707133.2), dbSNP rs144159015, ClinGen allele CA138224154.

ClinVar aggregate classification (germline): Likely benign (1 of 4 stars; one submission).

Allele frequency attached by ClinVar (database versions not stated): TOPMed 0.00681; gnomAD 0.00698; 1000 Genomes Project 0.00938; 1000 Genomes Project 30x 0.01062.

Submission:

GeneDx
Classification: Likely benign. Last evaluated: 2020-09-20. Review status: criteria provided, single submitter. Criteria: GeneDx Variant Classification Process June 2021. Collection method: clinical testing. Allele origin: germline. Affected: yes.
Comment: See Variant Classification Assertion Criteria.